The following is an entry in ClinVar:

ClinVar aggregate classification (germline): Uncertain significance (1 of 4 stars; one submission).

Allele frequency attached by ClinVar (database versions not stated): gnomAD exomes below 0.00001; ExAC 0.00002; TOPMed 0.00005; gnomAD 0.00006.
gnomAD v4.1: 14 of 1,598,676 alleles (0.00088%); highest among the groups gnomAD compares: African/African-American, 0.018%; no homozygotes.

Submission:

Labcorp Genetics (formerly Invitae), Labcorp
Classification: Uncertain significance. Last evaluated: 2024-10-22. Review status: criteria provided, single submitter. Criteria: Invitae Variant Classification Sherloc (09022015). Collection method: clinical testing. Allele origin: germline.
Comment: This sequence change replaces threonine, which is neutral and polar, with alanine, which is neutral and non-polar, at codon 127 of the CFAP410 protein (p.Thr127Ala). The frequency data for this variant in the population databases is considered unreliable, as metrics indicate poor data quality at this position in the gnomAD database. This variant has not been reported in the literature in individuals affected with CFAP410-related conditions. ClinVar contains an entry for this variant (Variation ID: 1002307). Invitae Evidence Modeling of protein sequence and biophysical properties (such as structural, functional, and spatial information, amino acid conservation, physicochemical variation, residue mobility, and thermodynamic stability) has been performed for this missense variant. However, the output from this modeling did not meet the statistical confidence thresholds required to predict the impact of this variant on CFAP410 protein function. In summary, the available evidence is currently insufficient to determine the role of this variant in disease. Therefore, it has been classified as a Variant of Uncertain Significance.

NM_004928.3(CFAP410):c.379A>G (p.Thr127Ala)

Gene: CFAP410 (cilia and flagella associated protein 410; minus strand). Cytogenetic location: 21q22.3.
Variant type: single nucleotide variant.
Coding change: c.379A>G on transcript NM_004928.3 (MANE Select); coding-DNA position 379, A replaced by G.
Protein change: p.Thr127Ala; replaces threonine 127 with alanine.
Molecular consequence: missense variant.
Genome position (GRCh38, 1-based): chr21:44,332,009, T>C on the plus strand (A>G on the coding strand, the complement: CFAP410 is on the minus strand). VCF-style: chr21-44332009-T-C. GRCh37 (hg19) VCF-style: chr21-45751892-T-C.
Other names: c.379A>G, p.Thr127Ala (NM_001271440.2, NM_001271441.2); c.256A>G, p.Thr86Ala (NM_001271442.1); short protein forms T127A, T86A.
Identifiers: ClinVar variation 1002307 (VCV001002307.8), dbSNP rs746594475, ClinGen allele CA10053691.
Genomic context (GRCh38, chr21:44,332,009, plus strand): 5'-TCTCTGGGGCCGCAGTGATCTCCTCTCCCTCACTCAGTGCACGGGACAGCTCCTCCTCCG[T>C]CACAGCTTTGGGATGAAAGACAGAAGACAGCATGAGTGGCCTCACCCACGTGCAGGCCAC-3'
Protein context (NP_004919.1, residues 117-137): RLQKLDNQAV[Thr127Ala]EEELSRALSE